The following is an entry in ClinVar:

ClinVar aggregate classification (germline): Uncertain significance (1 of 4 stars; one submission).

Conditions:
Inborn genetic diseases. Identifiers: MedGen C0950123, MeSH D030342.

gnomAD v4.1: 1 of 1,613,400 alleles (0.000062%); highest among the groups gnomAD compares: Non-Finnish European, 0.000085%; no homozygotes.

Submission:

Ambry Genetics
Classification: Uncertain significance for Inborn genetic diseases. Last evaluated: 2024-04-01. Review status: criteria provided, single submitter. Criteria: Ambry Variant Classification Scheme 2023. Collection method: clinical testing. Allele origin: germline.
Comment: The p.D2372G variant (also known as c.7115A>G), located in coding exon 42 of the ATR gene, results from an A to G substitution at nucleotide position 7115. The aspartic acid at codon 2372 is replaced by glycine, an amino acid with similar properties. This amino acid position is conserved. In addition, the in silico prediction for this alteration is inconclusive. Based on the available evidence, the clinical significance of this alteration remains unclear.

NM_001184.4(ATR):c.7115A>G (p.Asp2372Gly)

Gene: ATR (ATR serine/threonine kinase; minus strand). Cytogenetic location: 3q23.
Variant type: single nucleotide variant.
Coding change: c.7115A>G on transcript NM_001184.4 (MANE Select); coding-DNA position 7115, A replaced by G.
Protein change: p.Asp2372Gly; replaces aspartic acid 2372 with glycine.
Molecular consequence: missense variant.
Genome position (GRCh38, 1-based): chr3:142,462,017, T>C on the plus strand (A>G on the coding strand, the complement: ATR is on the minus strand). VCF-style: chr3-142462017-T-C. GRCh37 (hg19) VCF-style: chr3-142180859-T-C.
Other names: c.6923A>G, p.Asp2308Gly (NM_001354579.2); short protein forms D2308G, D2372G.
Identifiers: ClinVar variation 3331439 (VCV003331439.1).
Genomic context (GRCh38, chr3:142,462,017, plus strand): 5'-TTGGTCAGAATAGGTCTCAAACCAGCAGTGTTGTTCACCCATTCAATAATCCCACATTCA[T>C]CATTTAGTGGAATAACTGCATATGTTCGAATATGAAGTTCTCTTCTACGAGACTCTGCAT-3'
Protein context (NP_001175.2, residues 2362-2382): IRTYAVIPLN[Asp2372Gly]ECGIIEWVNN